The following is an entry in ClinVar:

NM_017763.6(RNF43):c.1829T>C (p.Leu610Pro)

Gene: RNF43 (ring finger protein 43; minus strand). Cytogenetic location: 17q22.
Variant type: single nucleotide variant.
Coding change: c.1829T>C on transcript NM_017763.6 (MANE Select); coding-DNA position 1829, T replaced by C.
Protein change: p.Leu610Pro; replaces leucine 610 with proline.
Molecular consequence: missense variant.
Genome position (GRCh38, 1-based): chr17:58,357,947, A>G on the plus strand (T>C on the coding strand, the complement: RNF43 is on the minus strand). VCF-style: chr17-58357947-A-G. GRCh37 (hg19) VCF-style: chr17-56435308-A-G.
Other names: c.1829T>C, p.Leu610Pro (NM_001305544.3); c.1448T>C, p.Leu483Pro (NM_001305545.2); short protein forms L610P, L483P.
Identifiers: ClinVar variation 1368984 (VCV001368984.8), dbSNP rs2143398494, ClinGen allele CA400387301.
Genomic context (GRCh38, chr17:58,357,947, plus strand): 5'-GAGGCGTCAACTGGGCCAGGGGCTGGCTCAGGGAGGGCCCTGGGGCACTGTGGGTTAGAG[A>G]GCCGCCCCGAAGGGGCTGCTGAGTTGGATCTGGTGACTTGCTGATCAGGAGAAGGTGGCT-3'
Protein context (NP_060233.3, residues 600-620): RSNSAAPSGR[Leu610Pro]SNPQCPRALP

ClinVar aggregate classification (germline): Uncertain significance (1 of 4 stars; one submission).

gnomAD v4.1: 1 of 1,611,994 alleles (0.000062%); no homozygotes.

Submission:

Labcorp Genetics (formerly Invitae), Labcorp
Classification: Uncertain significance. Last evaluated: 2025-12-29. Review status: criteria provided, single submitter. Criteria: Invitae Variant Classification Sherloc (09022015). Collection method: clinical testing. Allele origin: germline.
Comment: This sequence change replaces leucine, which is neutral and non-polar, with proline, which is neutral and non-polar, at codon 610 of the RNF43 protein (p.Leu610Pro). This variant is not present in population databases (gnomAD no frequency). This variant has not been reported in the literature in individuals affected with RNF43-related conditions. ClinVar contains an entry for this variant (Variation ID: 1368984). An algorithm developed to predict the effect of missense changes on protein structure and function outputs the following: PolyPhen-2: "Benign". The proline amino acid residue is found in multiple mammalian species, which suggests that this missense change does not adversely affect protein function. In summary, the available evidence is currently insufficient to determine the role of this variant in disease. Therefore, it has been classified as a Variant of Uncertain Significance.